The following is an entry in ClinVar:

ClinVar aggregate classification (germline): Uncertain significance (1 of 4 stars; one submission).

Conditions:
Dilated cardiomyopathy 1KK (CMD1KK). Identifiers: Orphanet 154, Orphanet 75249, MedGen C3714995, MONDO:0014100, OMIM 615248.

Allele frequency attached by ClinVar (database versions not stated): TOPMed below 0.00001; ExAC 0.00001; gnomAD 0.00001; gnomAD exomes 0.00001; 1000 Genomes Project 30x 0.00016; 1000 Genomes Project 0.00020.
gnomAD v4.1: 12 of 1,613,826 alleles (0.00074%); highest among the groups gnomAD compares: South Asian, 0.012%; no homozygotes.

Submission:

Labcorp Genetics (formerly Invitae), Labcorp
Classification: Uncertain significance for Dilated cardiomyopathy 1KK. Last evaluated: 2022-08-23. Review status: criteria provided, single submitter. Criteria: Invitae Variant Classification Sherloc (09022015). Collection method: clinical testing. Allele origin: germline.
Comment: In summary, the available evidence is currently insufficient to determine the role of this variant in disease. Therefore, it has been classified as a Variant of Uncertain Significance. This sequence change replaces glycine, which is neutral and non-polar, with arginine, which is basic and polar, at codon 1000 of the MYPN protein (p.Gly1000Arg). This variant is present in population databases (rs540904740, gnomAD 0.007%). This variant has not been reported in the literature in individuals affected with MYPN-related conditions. Algorithms developed to predict the effect of missense changes on protein structure and function are either unavailable or do not agree on the potential impact of this missense change (SIFT: "Deleterious"; PolyPhen-2: "Probably Damaging"; Align-GVGD: "Class C15").

NM_032578.4(MYPN):c.2998G>A (p.Gly1000Arg)

Gene: MYPN (myopalladin; plus strand). Cytogenetic location: 10q21.3.
Variant type: single nucleotide variant.
Coding change: c.2998G>A on transcript NM_032578.4 (MANE Select); coding-DNA position 2998, G replaced by A.
Protein change: p.Gly1000Arg; replaces glycine 1000 with arginine.
Molecular consequence: missense variant. On other transcripts: non-coding transcript variant (2).
Genome position (GRCh38, 1-based): chr10:68,194,435, G>A. VCF-style: chr10-68194435-G-A. GRCh37 (hg19) VCF-style: chr10-69954192-G-A.
Other names: c.2998G>A, p.Gly1000Arg (NM_001256267.2); c.2116G>A, p.Gly706Arg (NM_001256268.2); short protein forms G706R, G1000R.
Identifiers: ClinVar variation 1987715 (VCV001987715.4), dbSNP rs540904740, ClinGen allele CA5522918.